The following is an entry in ClinVar:

ClinVar aggregate classification (germline): Uncertain significance. Review status: criteria provided, multiple submitters, no conflicts (2 of 4 stars). 2 submissions from 2 submitters: Uncertain significance (2). Last evaluated 2025-10-11.

Submissions (2):

GeneDx
Classification: Uncertain significance. Last evaluated: 2025-10-11. Review status: criteria provided, single submitter. Criteria: GeneDx Variant Classification Process June 2021. Collection method: clinical testing. Allele origin: germline.
Comment: Has not been previously published as pathogenic or benign to our knowledge; Not observed at significant frequency in large population cohorts (gnomAD); In silico analysis suggests that this missense variant does not alter protein structure/function

Labcorp Genetics (formerly Invitae), Labcorp
Classification: Uncertain significance. Last evaluated: 2023-05-27. Review status: criteria provided, single submitter. Criteria: Invitae Variant Classification Sherloc (09022015). Collection method: clinical testing. Allele origin: germline.
Comment: In summary, the available evidence is currently insufficient to determine the role of this variant in disease. Therefore, it has been classified as a Variant of Uncertain Significance. An algorithm developed to predict the effect of missense changes on protein structure and function (PolyPhen-2) suggests that this variant is likely to be tolerated. This variant has not been reported in the literature in individuals affected with NYX-related conditions. This variant is not present in population databases (gnomAD no frequency). This sequence change replaces aspartic acid, which is acidic and polar, with alanine, which is neutral and non-polar, at codon 383 of the NYX protein (p.Asp383Ala).

NM_001378477.3(NYX):c.1133A>C (p.Asp378Ala)

Gene: NYX (nyctalopin; plus strand). Cytogenetic location: Xp11.4.
Variant type: single nucleotide variant.
Coding change: c.1133A>C on transcript NM_001378477.3 (MANE Select); coding-DNA position 1133, A replaced by C.
Protein change: p.Asp378Ala; replaces aspartic acid 378 with alanine.
Molecular consequence: missense variant.
Genome position (GRCh38, 1-based): chrX:41,474,601, A>C. VCF-style: chrX-41474601-A-C. GRCh37 (hg19) VCF-style: chrX-41333854-A-C.
Other names: c.1148A>C (NM_022567.2); c.1133A>C, p.Asp378Ala (NM_022567.3); short protein forms D378A.
Identifiers: ClinVar variation 2739537 (VCV002739537.5), dbSNP rs2519608762, ClinGen allele CA412992812.